The following is an entry in ClinVar:

ClinVar aggregate classification (germline): Pathogenic (1 of 4 stars; one submission).

Conditions:
Developmental and epileptic encephalopathy. Identifiers: MedGen C5779964, MONDO:0100620.

Submission:

Labcorp Genetics (formerly Invitae), Labcorp
Classification: Pathogenic for Early-infantile DEE. Last evaluated: 2020-03-16. Review status: criteria provided, single submitter. Criteria: Invitae Variant Classification Sherloc (09022015). Collection method: clinical testing. Allele origin: germline.
Comment: This sequence change creates a premature translational stop signal (p.Phe1212Serfs*3) in the SCN1A gene. It is expected to result in an absent or disrupted protein product. This variant is not present in population databases (ExAC no frequency). This variant has not been reported in the literature in individuals with SCN1A-related conditions. Loss-of-function variants in SCN1A are known to be pathogenic (PMID: 17347258, 18930999). For these reasons, this variant has been classified as Pathogenic.

Literature cited by the submitters: PubMed 17347258; PubMed 18930999.

NM_001165963.4(SCN1A):c.3635del (p.Phe1212fs)

Genes: SCN1A (sodium voltage-gated channel alpha subunit 1; minus strand), LOC102724058 (uncharacterized LOC102724058; plus strand). Cytogenetic location: 2q24.3.
Variant type: Deletion.
Coding change: c.3635del on transcript NM_001165963.4 (MANE Select); coding-DNA position 3635, one base deleted (T; older notation c.3635delT).
Protein change: p.Phe1212fs; shifts the reading frame from phenylalanine 1212.
Molecular consequence: frameshift variant. On other transcripts: non-coding transcript variant (1).
Genome position (GRCh38, 1-based): chr2:166,013,814, A deleted on the plus strand (T on the coding strand, the reverse complement: SCN1A is on the minus strand); the first of 3 consecutive A bases (chr2:166,013,814-166,013,816); deleting any one gives the same sequence. VCF-style (leftmost placement, unchanged base first): chr2-166013813-GA-G. GRCh37 (hg19) VCF-style: chr2-166870323-GA-G.
Other names: c.3551del, p.Phe1184fs (NM_001165964.3, NM_001353957.2, NM_001353958.2); c.3635del, p.Phe1212fs (NM_001202435.3, NM_001353948.2); c.3602del, p.Phe1201fs (NM_001353949.2, NM_001353950.2, NM_001353951.2 and 2 more transcripts); c.3599del, p.Phe1200fs (NM_001353954.2, NM_001353955.2); c.3548del, p.Phe1183fs (NM_001353960.2); c.1193del, p.Phe398fs (NM_001353961.2); short protein forms F1183fs, F1184fs, F1200fs, F1201fs, F1212fs, F398fs.
Identifiers: ClinVar variation 1072042 (VCV001072042.3), dbSNP rs2105610528, ClinGen allele CA2499215177.